The following is an entry in ClinVar:

ClinVar aggregate classification (germline): Uncertain significance (1 of 4 stars; one submission).

Conditions:
Inborn genetic diseases. Identifiers: MedGen C0950123, MeSH D030342.

gnomAD v4.1: 2 of 1,591,598 alleles (0.00013%); highest among the groups gnomAD compares: Non-Finnish European, 0.000085%; no homozygotes.

Submission:

Ambry Genetics
Classification: Uncertain significance for Inborn genetic diseases. Last evaluated: 2025-08-12. Review status: criteria provided, single submitter. Criteria: Ambry Variant Classification Scheme 2023. Collection method: clinical testing. Allele origin: germline.
Comment: The p.H678R variant (also known as c.2033A>G), located in coding exon 14 of the MIB1 gene, results from an A to G substitution at nucleotide position 2033. The histidine at codon 678 is replaced by arginine, an amino acid with highly similar properties. This amino acid position is conserved. In addition, this alteration is predicted to be deleterious by in silico analysis. Based on the available evidence, the clinical significance of this variant remains unclear.

NM_020774.4(MIB1):c.2033A>G (p.His678Arg)

Gene: MIB1 (MIB E3 ubiquitin protein ligase 1; plus strand). Cytogenetic location: 18q11.2.
Variant type: single nucleotide variant.
Coding change: c.2033A>G on transcript NM_020774.4 (MANE Select); coding-DNA position 2033, A replaced by G.
Protein change: p.His678Arg; replaces histidine 678 with arginine.
Molecular consequence: missense variant.
Genome position (GRCh38, 1-based): chr18:21,843,201, A>G. VCF-style: chr18-21843201-A-G. GRCh37 (hg19) VCF-style: chr18-19423162-A-G.
Other names: short protein forms H678R.
Identifiers: ClinVar variation 4107600 (VCV004107600.1).
Genomic context (GRCh38, chr18:21,843,201, plus strand): 5'-ACCTGGATATCCAGAATGTGAACCAACAAACTGCCCTACACCTTGCTGTTGAACGACAGC[A>G]TACCCAGATTGTTAGGGTAAAGTATTGACATACATTTTAGCTTATAATTACATTTTAACC-3'
Protein context (NP_065825.1, residues 668-688): TALHLAVERQ[His678Arg]TQIVRLLVRA